The following is an entry in ClinVar:

ClinVar aggregate classification (germline): Uncertain significance. Review status: criteria provided, multiple submitters, no conflicts (2 of 4 stars). 2 submissions from 2 submitters: Uncertain significance (2). Last evaluated 2025-10-22.

Conditions:
Inborn genetic diseases. Identifiers: MedGen C0950123, MeSH D030342.

Submissions (2):

Ambry Genetics
Classification: Uncertain significance for Inborn genetic diseases. Last evaluated: 2025-10-22. Review status: criteria provided, single submitter. Criteria: Ambry Variant Classification Scheme 2023. Collection method: clinical testing. Allele origin: germline.

Labcorp Genetics (formerly Invitae), Labcorp
Classification: Uncertain significance. Last evaluated: 2025-07-08. Review status: criteria provided, single submitter. Criteria: Invitae Variant Classification Sherloc (09022015). Collection method: clinical testing. Allele origin: germline.
Comment: This sequence change replaces alanine, which is neutral and non-polar, with aspartic acid, which is acidic and polar, at codon 1282 of the FOCAD protein (p.Ala1282Asp). This variant is not present in population databases (gnomAD no frequency). This variant has not been reported in the literature in individuals affected with FOCAD-related conditions. Experimental studies and prediction algorithms are not available or were not evaluated, and the functional significance of this variant is currently unknown. In summary, the available evidence is currently insufficient to determine the role of this variant in disease. Therefore, it has been classified as a Variant of Uncertain Significance.

NM_001375567.1(FOCAD):c.3845C>A (p.Ala1282Asp)

Gene: FOCAD (focadhesin; plus strand). Cytogenetic location: 9p21.3.
Variant type: single nucleotide variant.
Coding change: c.3845C>A on transcript NM_001375567.1 (MANE Select); coding-DNA position 3845, C replaced by A.
Protein change: p.Ala1282Asp; replaces alanine 1282 with aspartic acid.
Molecular consequence: missense variant.
Genome position (GRCh38, 1-based): chr9:20,948,897, C>A. VCF-style: chr9-20948897-C-A. GRCh37 (hg19) VCF-style: chr9-20948896-C-A.
Other names: c.3740C>A, p.Ala1247Asp (NM_001375568.1, NM_001375570.1); c.3845C>A, p.Ala1282Asp (NM_017794.5); short protein forms A1247D, A1282D.
Identifiers: ClinVar variation 4620181 (VCV004620181.2).